The following is an entry in ClinVar:

ClinVar aggregate classification (germline): Benign (0 of 4 stars; one submission).

Conditions:
WDR48-related disorder. Also called: WDR48-related condition.

Allele frequency attached by ClinVar (database versions not stated): gnomAD exomes 0.00715; ExAC 0.02265; gnomAD 0.07004; 1000 Genomes Project 0.07927; TOPMed 0.08030; ESP Exome Variant Server 0.08227; 1000 Genomes Project 30x 0.08339.
gnomAD v4.1: 21,613 of 1,600,396 alleles (1.4%); highest among the groups gnomAD compares: African/African-American, 23%; 2,120 homozygotes.

Submission:

PreventionGenetics, part of Exact Sciences
Classification: Benign for WDR48-related condition. Last evaluated: 2019-06-18. Review status: no assertion criteria provided. Collection method: clinical testing. Allele origin: germline.
Comment: This variant is classified as benign based on ACMG/AMP sequence variant interpretation guidelines (Richards et al. 2015 PMID: 25741868, with internal and published modifications).

NM_020839.4(WDR48):c.249C>G (p.Leu83=)

Gene: WDR48 (WD repeat domain 48; plus strand). Cytogenetic location: 3p22.2.
Variant type: single nucleotide variant.
Coding change: c.249C>G on transcript NM_020839.4 (MANE Select); coding-DNA position 249, C replaced by G.
Protein change: p.Leu83=; no amino-acid change (leucine 83 retained).
Molecular consequence: synonymous variant. On other transcripts: 5 prime UTR variant (1), non-coding transcript variant (3), intron variant (1).
Genome position (GRCh38, 1-based): chr3:39,065,870, C>G. VCF-style: chr3-39065870-C-G. GRCh37 (hg19) VCF-style: chr3-39107361-C-G.
Other names: c.249C>G, p.Leu83= (NM_001303403.2, NM_001346225.2); c.78C>G, p.Leu26= (NM_001346226.2); c.-147C>G (NM_001346227.2); c.39C>G, p.Leu13= (NM_001346228.2); c.23-678C>G (NM_001303402.2).
Identifiers: ClinVar variation 3060884 (VCV003060884.2), dbSNP rs9840872, ClinGen allele CA2322917.
Genomic context (GRCh38, chr3:39,065,870, plus strand): 5'-GCAAGATCCATATATAGCATCTATGGAACACCATACTGATTGGGTAAACGACATTGTACT[C>G]TGTTGTAATGGGAAAACATGTAAGTATTTCTTTGGATTATTATTGGGCTTCTGATATATT-3'
Protein context (NP_065890.1, residues 73-93): HHTDWVNDIV[Leu83=]CCNGKTLISA